The following is an entry in ClinVar:

ClinVar aggregate classification (germline): Uncertain significance (1 of 4 stars; one submission).

Conditions:
Primary ciliary dyskinesia. Also called: Ciliary dyskinesia. Identifiers: Orphanet 244, MedGen C0008780, MONDO:0016575, HP:0012265.

Submission:

Labcorp Genetics (formerly Invitae), Labcorp
Classification: Uncertain significance for Primary ciliary dyskinesia. Last evaluated: 2021-02-09. Review status: criteria provided, single submitter. Criteria: Invitae Variant Classification Sherloc (09022015). Collection method: clinical testing. Allele origin: germline.
Comment: In summary, this variant is a novel missense change with uncertain impact on protein function. It has been classified as a Variant of Uncertain Significance. Algorithms developed to predict the effect of missense changes on protein structure and function do not agree on the potential impact of this missense change (SIFT: "Deleterious"; PolyPhen-2: "Probably Damaging"; Align-GVGD: "Class C0"). This variant is not present in population databases (ExAC no frequency) and has not been reported in the literature in individuals with a CCDC39-related disease. This sequence change replaces leucine with proline at codon 566 of the CCDC39 protein (p.Leu566Pro). The leucine residue is moderately conserved and there is a moderate physicochemical difference between leucine and proline.

NM_181426.2(CCDC39):c.1697T>C (p.Leu566Pro)

Gene: CCDC39 (coiled-coil domain 39 molecular ruler complex subunit; minus strand). Cytogenetic location: 3q26.33.
Variant type: single nucleotide variant.
Coding change: c.1697T>C on transcript NM_181426.2 (MANE Select); coding-DNA position 1697, T replaced by C.
Protein change: p.Leu566Pro; replaces leucine 566 with proline.
Molecular consequence: missense variant.
Genome position (GRCh38, 1-based): chr3:180,642,170, A>G on the plus strand (T>C on the coding strand, the complement: CCDC39 is on the minus strand). VCF-style: chr3-180642170-A-G. GRCh37 (hg19) VCF-style: chr3-180359958-A-G.
Other names: short protein forms L566P.
Identifiers: ClinVar variation 410379 (VCV000410379.9), dbSNP rs1060502868, ClinGen allele CA16611394.